The following is an entry in ClinVar:

ClinVar aggregate classification (germline): Uncertain significance (1 of 4 stars; one submission).

Submission:

Labcorp Genetics (formerly Invitae), Labcorp
Classification: Uncertain significance. Last evaluated: 2023-10-13. Review status: criteria provided, single submitter. Criteria: Invitae Variant Classification Sherloc (09022015). Collection method: clinical testing. Allele origin: germline.
Comment: This sequence change creates a premature translational stop signal (p.Gln116*) in the KIF20A gene. It is expected to result in an absent or disrupted protein product. However, the current clinical and genetic evidence is not sufficient to establish whether loss-of-function variants in KIF20A cause disease. This variant is not present in population databases (gnomAD no frequency). This variant has not been reported in the literature in individuals affected with KIF20A-related conditions. In summary, the available evidence is currently insufficient to determine the role of this variant in disease. Therefore, it has been classified as a Variant of Uncertain Significance.

NM_005733.3(KIF20A):c.346C>T (p.Gln116Ter)

Gene: KIF20A (kinesin family member 20A; plus strand). Cytogenetic location: 5q31.2.
Variant type: single nucleotide variant.
Coding change: c.346C>T on transcript NM_005733.3 (MANE Select); coding-DNA position 346, C replaced by T.
Protein change: p.Gln116Ter; replaces glutamine 116 with a stop codon.
Molecular consequence: nonsense.
Genome position (GRCh38, 1-based): chr5:138,181,699, C>T. VCF-style: chr5-138181699-C-T. GRCh37 (hg19) VCF-style: chr5-137517388-C-T.
Other names: short protein forms Q116*.
Identifiers: ClinVar variation 2978163 (VCV002978163.3), dbSNP rs2482176483, ClinGen allele CA361112535.
Genomic context (GRCh38, chr5:138,181,699, plus strand): 5'-CTTGTTCTACAAGCACCCAAGGACTCTTTTGCCCTGAAGAGCAATGAACGGGGAATTGGC[C>T]AAGCCACACACAGGTTCACCTTTTCCCAGGTATGGAGGGTACTGGTTTGTGAACAAAAGA-3'